The following is an entry in ClinVar:

NM_001369.3(DNAH5):c.8497C>T (p.Arg2833Cys)

Gene: DNAH5 (dynein axonemal heavy chain 5; minus strand). Cytogenetic location: 5p15.2.
Variant type: single nucleotide variant.
Coding change: c.8497C>T on transcript NM_001369.3 (MANE Select); coding-DNA position 8497, C replaced by T.
Protein change: p.Arg2833Cys; replaces arginine 2833 with cysteine.
Molecular consequence: missense variant.
Genome position (GRCh38, 1-based): chr5:13,788,866, G>A on the plus strand (C>T on the coding strand, the complement: DNAH5 is on the minus strand). VCF-style: chr5-13788866-G-A. GRCh37 (hg19) VCF-style: chr5-13788975-G-A.
Other names: short protein forms R2833C.
Identifiers: ClinVar variation 858717 (VCV000858717.20), dbSNP rs766481283, ClinGen allele CA3202797.
Genomic context (GRCh38, chr5:13,788,866, plus strand): 5'-CCTCTACCAAACTTACTAAAGCCTTATCAAACCAGGTCACATCACTGGACACTGTGAAAC[G>A]GTCAGCTATAACACGTTTACACTCATGCTTCCACAGCTTTAACAGATCCTGTTGAAAGTA-3'
Protein context (NP_001360.1, residues 2823-2843): KHECKRVIAD[Arg2833Cys]FTVSSDVTWF

ClinVar aggregate classification (germline): Conflicting classifications of pathogenicity. Review status: criteria provided, conflicting classifications (1 of 4 stars). 4 submissions from 4 submitters: Pathogenic (1); Likely pathogenic (1); Uncertain significance (2). Last evaluated 2026-03-27.

Conditions:
Primary ciliary dyskinesia. Also called: Ciliary dyskinesia. Identifiers: Orphanet 244, MedGen C0008780, MONDO:0016575, HP:0012265.
Primary ciliary dyskinesia 3. Identifiers: Orphanet 244, MedGen C1837618, MONDO:0012085, OMIM 608644.

Allele frequency attached by ClinVar (database versions not stated): gnomAD exomes 0.00001; ExAC 0.00002.
gnomAD v4.1: 28 of 1,613,866 alleles (0.0017%); highest among the groups gnomAD compares: South Asian, 0.0022%; no homozygotes.

Submissions (4):

Myriad Genetics, Inc.
Classification: Uncertain significance for Primary ciliary dyskinesia 3. Last evaluated: 2026-03-27. Review status: criteria provided, single submitter. Criteria: Myriad Autosomal Dominant, Autosomal Recessive and X-Linked Classification Criteria (2023). Collection method: clinical testing. Allele origin: unknown.
Comment: NM_001369.2(DNAH5):c.8497C>T(R2833C) is a missense variant classified as a variant of uncertain significance in the context of primary ciliary dyskinesia, DNAH5-related. R2833C has been observed in cases with relevant disease (PMID: 30067075, 33561200). Relevant functional assessments of this variant are not available in the literature. R2833C has been observed in referenced population frequency databases. In summary, there is insufficient evidence to classify NM_001369.2(DNAH5):c.8497C>T(R2833C) as pathogenic or benign. Please note: this variant was assessed in the context of healthy population screening.

Natera, Inc.
Classification: Likely pathogenic for Primary ciliary dyskinesia. Last evaluated: 2025-09-11. Review status: criteria provided, single submitter. Criteria: Natera Variant Classification Schema (03/2026). Collection method: clinical testing. Allele origin: germline.
Comment: The c.8497C>T variant in DNAH5 is a missense variant predicted to cause substitution of arginine to cysteine at amino acid 2833. This variant is rare in the general population with a frequency below the threshold expected for the associated phenotype(s). This variant has been observed in one or more individuals affected with the associated recessive disease, as either homozygous or compound heterozygous with a second variant (PMID: 33561200, 30067075). A different variant at the same position has been determined to be Pathogenic or Likely Pathogenic. Computational prediction algorithms indicate this variant is likely to affect gene or protein function. Given the available evidence, this variant is classified as Likely Pathogenic.

Labcorp Genetics (formerly Invitae), Labcorp
Classification: Pathogenic for Primary ciliary dyskinesia. Last evaluated: 2025-09-08. Review status: criteria provided, single submitter. Criteria: Invitae Variant Classification Sherloc (09022015). Collection method: clinical testing. Allele origin: germline.
Comment: This sequence change replaces arginine, which is basic and polar, with cysteine, which is neutral and slightly polar, at codon 2833 of the DNAH5 protein (p.Arg2833Cys). This variant is present in population databases (rs766481283, gnomAD 0.004%). This missense change has been observed in individuals with clinical features of primary ciliary dyskinesia (PMID: 30067075; internal data). ClinVar contains an entry for this variant (Variation ID: 858717). Invitae Evidence Modeling of protein sequence and biophysical properties (such as structural, functional, and spatial information, amino acid conservation, physicochemical variation, residue mobility, and thermodynamic stability) has been performed for this missense variant. However, the output from this modeling did not meet the statistical confidence thresholds required to predict the impact of this variant on DNAH5 protein function. This variant disrupts the p.Arg2833 amino acid residue in DNAH5. Other variant(s) that disrupt this residue have been determined to be pathogenic (PMID: 23891469, 26228299, 27637300). This suggests that this residue is clinically significant, and that variants that disrupt this residue are likely to be disease-causing. For these reasons, this variant has been classified as Pathogenic.

GeneDx
Classification: Uncertain significance. Last evaluated: 2021-03-30. Review status: criteria provided, single submitter. Criteria: GeneDx Variant Classification Process June 2021. Collection method: clinical testing. Allele origin: germline. Affected: yes.
Comment: In silico analysis supports that this missense variant has a deleterious effect on protein structure/function; In silico analysis, which includes splice predictors and evolutionary conservation, suggests this variant may impact gene splicing. In the absence of RNA/functional studies, the actual effect of this sequence change is unknown.; This variant is associated with the following publications: (PMID: 33561200, 30067075)

Literature cited by the submitters: PubMed 30067075 (cited by 3 submitters); PubMed 33561200 (cited by Myriad Genetics, Inc. and Natera, Inc.); PubMed 23891469 (cited by Labcorp Genetics (formerly Invitae), Labcorp); PubMed 26228299 (cited by Labcorp Genetics (formerly Invitae), Labcorp); PubMed 27637300 (cited by Labcorp Genetics (formerly Invitae), Labcorp).